The following is an entry in ClinVar:

NM_000052.7(ATP7A):c.2781_2781+1delinsTT

Gene: ATP7A (ATPase copper transporting alpha; plus strand). Cytogenetic location: Xq21.1.
Variant type: Indel.
Coding change: c.2781_2781+1delinsTT on transcript NM_000052.7 (MANE Select); coding-DNA position 2781 through the canonical splice donor site of the intron after coding-DNA position 2781, GG replaced by TT.
Molecular consequence: splice donor variant.
Genome position (GRCh38, 1-based): chrX:78,020,398-78,020,399, GG replaced by TT. VCF-style: chrX-78020398-GG-TT. GRCh37 (hg19) VCF-style: chrX-77275895-GG-TT.
Other names: c.2547_2547+1delinsTT (NM_001282224.2).
Identifiers: ClinVar variation 3760053 (VCV003760053.2).

ClinVar aggregate classification (germline): Likely pathogenic (1 of 4 stars; one submission).

Conditions:
Menkes kinky-hair syndrome (MNK). Also called: Copper transport disease; Menkes Disease; Classic Menkes Disease. Identifiers: Orphanet 565, MedGen C0022716, MONDO:0010651, OMIM 309400.
X-linked distal spinal muscular atrophy type 3. Also called: ATP7A-Related Distal Motor Neuropathy; SPINAL MUSCULAR ATROPHY, DISTAL, X-LINKED RECESSIVE; NEURONOPATHY, DISTAL HEREDITARY MOTOR, X-LINKED; NEUROPATHY, DISTAL HEREDITARY MOTOR, X-LINKED. Identifiers: Orphanet 139557, MedGen C1845359, MONDO:0010338, OMIM 300489.
Cutis laxa, X-linked (OHS). Also called: EDS IX; Occipital horn syndrome. Identifiers: Orphanet 198, MedGen C0268353, MONDO:0010572, OMIM 304150.

Submission:

Labcorp Genetics (formerly Invitae), Labcorp
Classification: Likely pathogenic for X-linked distal spinal muscular atrophy type 3; Cutis laxa, X-linked; Menkes kinky-hair syndrome. Last evaluated: 2024-12-14. Review status: criteria provided, single submitter. Criteria: Invitae Variant Classification Sherloc (09022015). Collection method: clinical testing. Allele origin: germline.
Comment: This sequence change affects a splice site in intron 13 of the ATP7A gene. It is expected to disrupt RNA splicing. Variants that disrupt the donor or acceptor splice site typically lead to a loss of protein function (PMID: 16199547), and loss-of-function variants in ATP7A are known to be pathogenic (PMID: 11241493, 20652413). Information on the frequency of this variant in the gnomAD database is not available, as this variant may be reported differently in the database. This variant has not been reported in the literature in individuals affected with ATP7A-related conditions. In summary, the currently available evidence indicates that the variant is pathogenic, but additional data are needed to prove that conclusively. Therefore, this variant has been classified as Likely Pathogenic.

Literature cited by the submitters: PubMed 16199547; PubMed 11241493; PubMed 20652413.